The following is an entry in ClinVar:

NM_000426.4(LAMA2):c.2166dup (p.Val723fs)

Gene: LAMA2 (laminin subunit alpha 2; plus strand). Cytogenetic location: 6q22.33.
Variant type: Duplication.
Coding change: c.2166dup on transcript NM_000426.4 (MANE Select); coding-DNA position 2166, one base duplicated (A; older notation c.2166dupA).
Protein change: p.Val723fs; shifts the reading frame from valine 723.
Molecular consequence: frameshift variant.
Genome position (GRCh38, 1-based): chr6:129,260,780, A duplicated; the last of 2 consecutive A bases (chr6:129,260,779-129,260,780); duplicating either gives the same sequence. VCF-style (leftmost placement, unchanged base first): chr6-129260778-G-GA. GRCh37 (hg19) VCF-style: chr6-129581923-G-GA.
Other names: c.2166dup, p.Val723fs (NM_001079823.2); short protein forms V723fs.
Identifiers: ClinVar variation 1726130 (VCV001726130.3), dbSNP rs2482165307, ClinGen allele CA2580074898.
Genomic context (GRCh38, chr6:129,260,778, plus strand): 5'-TCTGTTAACCTTGAATCCGCTGTCTCCTATCCTACTGATGGAAGCATTGCAGCAGCTGTA[G>GA]AAGTGTGTCAGTGCCCACCAGGGTATACTGGCTCCTCTTGTGAAGTAAGCTTGCAAGAAT-3'

ClinVar aggregate classification (germline): Likely pathogenic (1 of 4 stars; one submission).

Conditions:
LAMA2-related muscular dystrophy (LAMA2-RD). Also called: Laminin alpha 2-related dystrophy. Identifiers: MedGen C5679788, MONDO:0100228.

Submission:

Myriad Genetics, Inc.
Classification: Likely pathogenic for LAMA2-related muscular dystrophy. Last evaluated: 2022-05-18. Review status: criteria provided, single submitter. Criteria: Myriad Autosomal Dominant, Autosomal Recessive and X-Linked Classification Criteria (2023). Collection method: clinical testing. Allele origin: unknown.
Comment: NM_000426.3(LAMA2):c.2166dupA(V723Sfs*14) is expected to be pathogenic in the context of muscular dystrophy, LAMA2-related. This variant is predicted to lead to an abnormal or absent protein product due to the creation of a premature termination codon in LAMA2, a gene where loss-of-function variants are known to be pathogenic. Please note: this variant was assessed in the context of healthy population screening.